The following is an entry in ClinVar:

NM_181486.4(TBX5):c.304C>A (p.Leu102Ile)

Gene: TBX5 (T-box transcription factor 5; minus strand). Cytogenetic location: 12q24.21.
Variant type: single nucleotide variant.
Coding change: c.304C>A on transcript NM_181486.4 (MANE Select); coding-DNA position 304, C replaced by A.
Protein change: p.Leu102Ile; replaces leucine 102 with isoleucine.
Molecular consequence: missense variant.
Genome position (GRCh38, 1-based): chr12:114,399,571, G>T on the plus strand (C>A on the coding strand, the complement: TBX5 is on the minus strand). VCF-style: chr12-114399571-G-T. GRCh37 (hg19) VCF-style: chr12-114837376-G-T.
Other names: c.304C>A, p.Leu102Ile (NM_000192.3); c.154C>A, p.Leu52Ile (NM_080717.4); short protein forms L52I, L102I.
Identifiers: ClinVar variation 3804935 (VCV003804935.1).

ClinVar aggregate classification (germline): Uncertain significance (1 of 4 stars; one submission).

Conditions:
Cardiovascular phenotype. Identifiers: MedGen CN230736.

Submission:

Ambry Genetics
Classification: Uncertain significance for Cardiovascular phenotype. Last evaluated: 2025-02-01. Review status: criteria provided, single submitter. Criteria: Ambry Variant Classification Scheme 2023. Collection method: clinical testing. Allele origin: germline.
Comment: The p.L102I variant (also known as c.304C>A), located in coding exon 3 of the TBX5 gene, results from a C to A substitution at nucleotide position 304. The leucine at codon 102 is replaced by isoleucine, an amino acid with highly similar properties. This amino acid position is conserved. In addition, the in silico prediction for this alteration is inconclusive. Based on the available evidence, the clinical significance of this variant remains unclear.